The following is an entry in ClinVar:

ClinVar aggregate classification (germline): Uncertain significance (1 of 4 stars; one submission).

Conditions:
Developmental and epileptic encephalopathy, 34 (DEE34). Also called: Early infantile epileptic encephalopathy 34; SLC12A5-Related Epilepsy of Infancy with Migrating Focal Seizures. Identifiers: Orphanet 293181, MedGen C4225257, MONDO:0014718, OMIM 616645.

Allele frequency attached by ClinVar (database versions not stated): gnomAD exomes below 0.00001.
gnomAD v4.1: 2 of 1,614,224 alleles (0.00012%); highest among the groups gnomAD compares: Non-Finnish European, 0.00017%; no homozygotes.

Submission:

Labcorp Genetics (formerly Invitae), Labcorp
Classification: Uncertain significance for Developmental and epileptic encephalopathy, 34. Last evaluated: 2019-12-24. Review status: criteria provided, single submitter. Criteria: Invitae Variant Classification Sherloc (09022015). Collection method: clinical testing. Allele origin: germline.
Comment: In summary, the available evidence is currently insufficient to determine the role of this variant in disease. Therefore, it has been classified as a Variant of Uncertain Significance. Algorithms developed to predict the effect of missense changes on protein structure and function (SIFT, PolyPhen-2, Align-GVGD) all suggest that this variant is likely to be tolerated, but these predictions have not been confirmed by published functional studies and their clinical significance is uncertain. This variant has not been reported in the literature in individuals with SLC12A5-related conditions. This variant is not present in population databases (ExAC no frequency). This sequence change replaces aspartic acid with asparagine at codon 1084 of the SLC12A5 protein (p.Asp1084Asn). The aspartic acid residue is moderately conserved and there is a small physicochemical difference between aspartic acid and asparagine.

NM_020708.5(SLC12A5):c.3250G>A (p.Asp1084Asn)

Gene: SLC12A5 (solute carrier family 12 member 5; plus strand). Cytogenetic location: 20q13.12.
Variant type: single nucleotide variant.
Coding change: c.3250G>A on transcript NM_020708.5 (MANE Select); coding-DNA position 3250, G replaced by A.
Protein change: p.Asp1084Asn; replaces aspartic acid 1084 with asparagine.
Molecular consequence: missense variant.
Genome position (GRCh38, 1-based): chr20:46,057,294, G>A. VCF-style: chr20-46057294-G-A. GRCh37 (hg19) VCF-style: chr20-44685933-G-A.
Other names: c.3319G>A, p.Asp1107Asn (NM_001134771.2); short protein forms D1107N, D1084N.
Identifiers: ClinVar variation 849635 (VCV000849635.12), dbSNP rs2084705283, ClinGen allele CA409210077.